The following is an entry in ClinVar:

ClinVar aggregate classification (germline): Uncertain significance (1 of 4 stars; one submission).

Submission:

GeneDx
Classification: Uncertain significance. Last evaluated: 2020-03-31. Review status: criteria provided, single submitter. Criteria: GeneDx Variant Classification Process June 2021. Collection method: clinical testing. Allele origin: germline. Affected: yes.
Comment: Not observed in large population cohorts (Lek et al., 2016); In silico analysis supports that this missense variant has a deleterious effect on protein structure/function; Has not been previously published as pathogenic or benign to our knowledge

NM_024408.4(NOTCH2):c.5954C>A (p.Ala1985Asp)

Gene: NOTCH2 (notch receptor 2; minus strand). Cytogenetic location: 1p12.
Variant type: single nucleotide variant.
Coding change: c.5954C>A on transcript NM_024408.4 (MANE Select); coding-DNA position 5954, C replaced by A.
Protein change: p.Ala1985Asp; replaces alanine 1985 with aspartic acid.
Molecular consequence: missense variant.
Genome position (GRCh38, 1-based): chr1:119,917,738, G>T on the plus strand (C>A on the coding strand, the complement: NOTCH2 is on the minus strand). VCF-style: chr1-119917738-G-T. GRCh37 (hg19) VCF-style: chr1-120460361-G-T.
Other names: short protein forms A1985D.
Identifiers: ClinVar variation 1304361 (VCV001304361.2), dbSNP rs2101146997, ClinGen allele CA341882015.